The following is an entry in ClinVar:

ClinVar aggregate classification (germline): Pathogenic. Review status: criteria provided, multiple submitters, no conflicts (2 of 4 stars). 3 submissions from 3 submitters: Pathogenic (3). Last evaluated 2025-06-05.

Conditions:
Wilson disease (WND). Also called: Wilson's disease. Identifiers: Orphanet 905, MedGen C0019202, MONDO:0010200, OMIM 277900. Disease mechanism: loss of function.

Submissions (3):

Myriad Genetics, Inc.
Classification: Pathogenic for Wilson disease. Last evaluated: 2025-06-05. Review status: criteria provided, single submitter. Criteria: Myriad Autosomal Dominant, Autosomal Recessive and X-Linked Classification Criteria (2023). Collection method: clinical testing. Allele origin: unknown.
Comment: NM_000053.3(ATP7B):c.92dupC(A32Sfs*9) is a frameshift variant classified as pathogenic in the context of Wilson disease. A32Sfs*9 has not been observed in cases with relevant disease. Relevant functional assessments of this variant are not available in the literature. A32Sfs*9 has not been observed in referenced population frequency databases. In summary, NM_000053.3(ATP7B):c.92dupC(A32Sfs*9) is a frameshift variant in a gene where loss of function is a known mechanism of disease and is predicted to disrupt protein function. Please note: this variant was assessed in the context of healthy population screening.

Genome-Nilou Lab
Classification: Pathogenic for Wilson disease. Last evaluated: 2021-08-10. Review status: criteria provided, single submitter. Criteria: ACMG Guidelines, 2015. Collection method: clinical testing. Allele origin: germline. Affected: no.

Labcorp Genetics (formerly Invitae), Labcorp
Classification: Pathogenic for Wilson disease. Last evaluated: 2018-06-29. Review status: criteria provided, single submitter. Criteria: Invitae Variant Classification Sherloc (09022015). Collection method: clinical testing. Allele origin: germline.
Comment: For these reasons, this variant has been classified as Pathogenic. Loss-of-function variants in ATP7B are known to be pathogenic (PMID: 10441329, 16283883). This variant has not been reported in the literature in individuals with ATP7B-related disease. This variant is not present in population databases (ExAC no frequency). This sequence change creates a premature translational stop signal (p.Ala32Serfs*9) in the ATP7B gene. It is expected to result in an absent or disrupted protein product.

Literature cited by the submitters: PubMed 10441329 (cited by Labcorp Genetics (formerly Invitae), Labcorp); PubMed 16283883 (cited by Labcorp Genetics (formerly Invitae), Labcorp).

NM_000053.4(ATP7B):c.92dup (p.Ala32fs)

Gene: ATP7B (ATPase copper transporting beta; minus strand). Cytogenetic location: 13q14.3.
Variant type: Duplication.
Coding change: c.92dup on transcript NM_000053.4 (MANE Select); coding-DNA position 92, one base duplicated (C; older notation c.92dupC).
Protein change: p.Ala32fs; shifts the reading frame from alanine 32.
Molecular consequence: frameshift variant.
Genome position (GRCh38, 1-based): chr13:51,975,128, G duplicated on the plus strand (C on the coding strand, the reverse complement: ATP7B is on the minus strand); the first of 2 consecutive G bases (chr13:51,975,128-51,975,129); duplicating either gives the same sequence. VCF-style (leftmost placement, unchanged base first): chr13-51975127-T-TG. GRCh37 (hg19) VCF-style: chr13-52549263-T-TG.
Other names: c.92dup, p.Ala32fs (NM_001005918.3, NM_001243182.2, NM_001330578.2 and 1 more transcripts); short protein forms A32fs.
Identifiers: ClinVar variation 1073995 (VCV001073995.10), dbSNP rs1952043099, ClinGen allele CA484025486.